The following is an entry in ClinVar:

NM_014003.4(DHX38):c.2011-3C>A

Gene: DHX38 (DEAH-box helicase 38; plus strand). Cytogenetic location: 16q22.2.
Variant type: single nucleotide variant.
Coding change: c.2011-3C>A on transcript NM_014003.4 (MANE Select); 3 bases into the intron before coding-DNA position 2011, C replaced by A.
Molecular consequence: intron variant.
Genome position (GRCh38, 1-based): chr16:72,104,483, C>A. VCF-style: chr16-72104483-C-A. GRCh37 (hg19) VCF-style: chr16-72138382-C-A.
Identifiers: ClinVar variation 850322 (VCV000850322.12), dbSNP rs368562010, ClinGen allele CA8160497.
Genomic context (GRCh38, chr16:72,104,483, plus strand): 5'-GGACTGGGGGACAGGAGCCAAGGGTCCCCACCATGGGGGCCTCCGAGCCGCCTCTTCTCT[C>A]AGGTAGTGGCTCGGCGCTCAGACCTGAAGCTCATCGTCACATCAGCCACGATGGATGCGG-3'

ClinVar aggregate classification (germline): Uncertain significance. Review status: criteria provided, multiple submitters, no conflicts (2 of 4 stars). 4 submissions from 4 submitters: Uncertain significance (2). 2 of the submissions do not count toward it. Last evaluated 2026-01-06.

Conditions:
DHX38-related disorder. Also called: DHX38-related condition.
Retinitis pigmentosa 84 (RP84). Identifiers: MedGen C4748725, MONDO:0032604, OMIM 618220.
Retinal dystrophy. Also called: Inherited retinal dystrophy. Identifiers: Orphanet 71862, MedGen C0854723, MeSH D058499, MONDO:0019118, HP:0000556.

Allele frequency attached by ClinVar (database versions not stated): gnomAD 0.00019; ESP Exome Variant Server 0.00023; gnomAD exomes 0.00023; TOPMed 0.00023; ExAC 0.00027.
gnomAD v4.1: 718 of 1,613,640 alleles (0.044%); highest among the groups gnomAD compares: Non-Finnish European, 0.058%; no homozygotes.

Submissions (5):

Labcorp Genetics (formerly Invitae), Labcorp
Classification: Uncertain significance. Last evaluated: 2026-01-06. Review status: criteria provided, single submitter. Criteria: Invitae Variant Classification Sherloc (09022015). Collection method: clinical testing. Allele origin: germline.
Comment: This sequence change falls in intron 14 of the DHX38 gene. It does not directly change the encoded amino acid sequence of the DHX38 protein. It affects a nucleotide within the consensus splice site. This variant is present in population databases (rs368562010, gnomAD 0.05%). This variant has been observed in individual(s) with cone dystrophy (internal data). ClinVar contains an entry for this variant (Variation ID: 850322). Variants that disrupt the consensus splice site are a relatively common cause of aberrant splicing (PMID: 17576681, 9536098). Algorithms developed to predict the effect of sequence changes on RNA splicing suggest that this variant may disrupt the consensus splice site. In summary, the available evidence is currently insufficient to determine the role of this variant in disease. Therefore, it has been classified as a Variant of Uncertain Significance.

Blueprint Genetics
Classification: Uncertain significance. Last evaluated: 2024-10-09. Review status: criteria provided, single submitter. Criteria: ACMG Guidelines, 2015. Collection method: clinical testing. Allele origin: germline.

Institute of Human Genetics, Univ. Regensburg, Univ. Regensburg
Classification: Uncertain significance for Retinal dystrophy. Last evaluated: 2023-01-01. Review status: no assertion criteria provided. Criteria: ACMG Guidelines, 2015. Collection method: clinical testing. Allele origin: germline. Affected: yes. Not counted in ClinVar's aggregate classification.

PreventionGenetics, part of Exact Sciences
Classification: Likely benign for DHX38-related condition. Last evaluated: 2022-07-27. Review status: no assertion criteria provided. Collection method: clinical testing. Allele origin: germline. Not counted in ClinVar's aggregate classification.
Comment: This variant is classified as likely benign based on ACMG/AMP sequence variant interpretation guidelines (Richards et al. 2015 PMID: 25741868, with internal and published modifications).

Dr. Peter K. Rogan Lab, Western University
No classification provided (evidence only). Condition: Adrenocortical carcinoma, hereditary. Review status: no classification provided. Collection method: in vitro. Allele origin: not applicable. Functional consequence: retained intron. Not counted in ClinVar's aggregate classification.

Literature cited by the submitters: PubMed 17576681 (cited by Labcorp Genetics (formerly Invitae), Labcorp); PubMed 9536098 (cited by Labcorp Genetics (formerly Invitae), Labcorp).